The following is an entry in ClinVar:

NM_001358921.2(COQ2):c.345_346delinsGT (p.Phe115_Gly116delinsLeuCys)

Gene: COQ2 (coenzyme Q2, polyprenyltransferase; minus strand). Cytogenetic location: 4q21.23.
Variant type: Indel.
Coding change: c.345_346delinsGT on transcript NM_001358921.2 (MANE Select); coding-DNA positions 345 to 346, TG replaced by GT.
Protein change: p.Phe115_Gly116delinsLeuCys.
Molecular consequence: missense variant.
Genome position (GRCh38, 1-based): chr4:83,279,022-83,279,023, CA replaced by AC on the plus strand (TG replaced by GT on the coding strand, the reverse complement: COQ2 is on the minus strand). VCF-style: chr4-83279022-CA-AC. GRCh37 (hg19) VCF-style: chr4-84200175-CA-AC.
Other names: p.Phe165_Gly166delinsLeuCys; c.495_496delinsGT, p.Phe165_Gly166delinsLeuCys (NM_015697.9).
Identifiers: ClinVar variation 3379543 (VCV003379543.1).
Genomic context (GRCh38, chr4:83,279,022, plus strand): 5'-CCTGGTCCCACATGTCATTAATAGTACAGCCTGCTCCACGCATCAGAATAGCTCCAGTGC[CA>AC]AAGAGGGAGAGCATGTACCAATCTGGAAAACAACCTGGTTCAGCTGCCAAACCAATGCTC-3'

ClinVar aggregate classification (germline): Uncertain significance (1 of 4 stars; one submission).

Submission:

Mayo Clinic Laboratories, Mayo Clinic
Classification: Uncertain significance. Last evaluated: 2023-11-13. Review status: criteria provided, single submitter. Criteria: ACMG Guidelines, 2015. Collection method: clinical testing. Allele origin: germline. Observed: 1 variant allele.
Comment: PM2_moderate